The following is an entry in ClinVar:

NM_001372044.2(SHANK3):c.291-1G>A

Gene: SHANK3 (SH3 and multiple ankyrin repeat domains 3; plus strand). Cytogenetic location: 22q13.33.
Variant type: single nucleotide variant.
Coding change: c.291-1G>A on transcript NM_001372044.2 (MANE Select); the canonical splice acceptor site of the intron before coding-DNA position 291, G replaced by A.
Molecular consequence: splice acceptor variant.
Genome position (GRCh38, 1-based): chr22:50,675,047, G>A. VCF-style: chr22-50675047-G-A. GRCh37 (hg19) VCF-style: chr22-51113475-G-A.
Identifiers: ClinVar variation 4071679 (VCV004071679.1).

ClinVar aggregate classification (germline): Uncertain significance (1 of 4 stars; one submission).

Submission:

GeneDx
Classification: Uncertain significance. Last evaluated: 2025-01-22. Review status: criteria provided, single submitter. Criteria: GeneDx Variant Classification Process June 2021. Collection method: clinical testing. Allele origin: germline. Affected: yes.
Comment: Not observed at significant frequency in large population cohorts (gnomAD); Canonical splice variant in the 5' region of the gene where loss-of-function has not been definitively established as a disease mechanism (PMID: 28179641); Has not been previously published as pathogenic or benign to our knowledge